The following is an entry in ClinVar:

NM_153717.3(EVC):c.1607A>T (p.Asp536Val)

Gene: EVC (EvC ciliary complex subunit 1; plus strand). Cytogenetic location: 4p16.2.
Variant type: single nucleotide variant.
Coding change: c.1607A>T on transcript NM_153717.3 (MANE Select); coding-DNA position 1607, A replaced by T.
Protein change: p.Asp536Val; replaces aspartic acid 536 with valine.
Molecular consequence: missense variant.
Genome position (GRCh38, 1-based): chr4:5,783,595, A>T. VCF-style: chr4-5783595-A-T. GRCh37 (hg19) VCF-style: chr4-5785322-A-T.
Other names: c.1607A>T, p.Asp536Val (NM_001306090.2); short protein forms D536V.
Identifiers: ClinVar variation 1986454 (VCV001986454.1), dbSNP rs1735959170, ClinGen allele CA356160669.

ClinVar aggregate classification (germline): Uncertain significance (1 of 4 stars; one submission).

Conditions:
Curry-Hall syndrome (WAD). Also called: WEYERS ACRODENTAL DYSOSTOSIS. Identifiers: Orphanet 952, MedGen C0457013, MONDO:0008673, OMIM 193530.
Ellis-van Creveld syndrome (EVC). Also called: Chondroectodermal dysplasia; MESOECTODERMAL DYSPLASIA; EVC-Related Ellis-van Creveld Syndrome; EVC2-Related Ellis-van Creveld Syndrome. Identifiers: Orphanet 289, MedGen C0013903, MONDO:0009162, OMIM 225500.

Submission:

Labcorp Genetics (formerly Invitae), Labcorp
Classification: Uncertain significance for Curry-Hall syndrome; Ellis-van Creveld syndrome. Last evaluated: 2022-04-28. Review status: criteria provided, single submitter. Criteria: Invitae Variant Classification Sherloc (09022015). Collection method: clinical testing. Allele origin: germline.
Comment: This sequence change replaces aspartic acid, which is acidic and polar, with valine, which is neutral and non-polar, at codon 536 of the EVC protein (p.Asp536Val). This variant is not present in population databases (gnomAD no frequency). This variant has not been reported in the literature in individuals affected with EVC-related conditions. Algorithms developed to predict the effect of missense changes on protein structure and function are either unavailable or do not agree on the potential impact of this missense change (SIFT: "Deleterious"; PolyPhen-2: "Possibly Damaging"; Align-GVGD: "Class C0"). In summary, the available evidence is currently insufficient to determine the role of this variant in disease. Therefore, it has been classified as a Variant of Uncertain Significance.